The following is an entry in ClinVar:

NM_001556.3(IKBKB):c.1090G>A (p.Asp364Asn)

Gene: IKBKB (inhibitor of nuclear factor kappa B kinase subunit beta; plus strand). Cytogenetic location: 8p11.21.
Variant type: single nucleotide variant.
Coding change: c.1090G>A on transcript NM_001556.3 (MANE Select); coding-DNA position 1090, G replaced by A.
Protein change: p.Asp364Asn; replaces aspartic acid 364 with asparagine.
Molecular consequence: missense variant. On other transcripts: non-coding transcript variant (3).
Genome position (GRCh38, 1-based): chr8:42,316,869, G>A. VCF-style: chr8-42316869-G-A. GRCh37 (hg19) VCF-style: chr8-42174387-G-A.
Other names: c.898G>A, p.Asp300Asn (NM_001190720.3); c.913G>A, p.Asp305Asn (NM_001242778.2); short protein forms D364N, D300N, D305N.
Identifiers: ClinVar variation 2044219 (VCV002044219.3), dbSNP rs760398648, ClinGen allele CA4731877.

ClinVar aggregate classification (germline): Uncertain significance. Review status: criteria provided, multiple submitters, no conflicts (2 of 4 stars). 2 submissions from 2 submitters: Uncertain significance (2). Last evaluated 2024-06-20.

Conditions:
Inborn genetic diseases. Identifiers: MedGen C0950123, MeSH D030342.
Severe combined immunodeficiency due to IKK2 deficiency. Also called: Immunodeficiency 15; IMMUNODEFICIENCY 15B. Identifiers: Orphanet 397787, MedGen C4747743, MONDO:0014267, OMIM 615592.

Allele frequency attached by ClinVar (database versions not stated): gnomAD 0.00001; TOPMed 0.00001; ExAC 0.00003.
gnomAD v4.1: 39 of 1,613,898 alleles (0.0024%); highest among the groups gnomAD compares: South Asian, 0.0055%; no homozygotes.

Submissions (2):

Labcorp Genetics (formerly Invitae), Labcorp
Classification: Uncertain significance for Severe combined immunodeficiency due to IKK2 deficiency. Last evaluated: 2024-06-20. Review status: criteria provided, single submitter. Criteria: Invitae Variant Classification Sherloc (09022015). Collection method: clinical testing. Allele origin: germline.
Comment: This sequence change replaces aspartic acid, which is acidic and polar, with asparagine, which is neutral and polar, at codon 364 of the IKBKB protein (p.Asp364Asn). This variant is present in population databases (rs760398648, gnomAD 0.003%). This variant has not been reported in the literature in individuals affected with IKBKB-related conditions. ClinVar contains an entry for this variant (Variation ID: 2044219). Advanced modeling of protein sequence and biophysical properties (such as structural, functional, and spatial information, amino acid conservation, physicochemical variation, residue mobility, and thermodynamic stability) performed at Invitae indicates that this missense variant is not expected to disrupt IKBKB protein function with a negative predictive value of 95%. In summary, the available evidence is currently insufficient to determine the role of this variant in disease. Therefore, it has been classified as a Variant of Uncertain Significance.

Ambry Genetics
Classification: Uncertain significance for Inborn genetic diseases. Last evaluated: 2022-11-10. Review status: criteria provided, single submitter. Criteria: Ambry Variant Classification Scheme 2023. Collection method: clinical testing. Allele origin: germline.